The following is an entry in ClinVar:

NM_001100913.3(PACS2):c.196G>T (p.Val66Phe)

Gene: PACS2 (phosphofurin acidic cluster sorting protein 2; plus strand). Cytogenetic location: 14q32.33.
Variant type: single nucleotide variant.
Coding change: c.196G>T on transcript NM_001100913.3 (MANE Select); coding-DNA position 196, G replaced by T.
Protein change: p.Val66Phe; replaces valine 66 with phenylalanine.
Molecular consequence: missense variant. On other transcripts: 5 prime UTR variant (1).
Genome position (GRCh38, 1-based): chr14:105,348,569, G>T. VCF-style: chr14-105348569-G-T. GRCh37 (hg19) VCF-style: chr14-105814906-G-T.
Other names: c.-6G>T (NM_001243127.3); c.196G>T, p.Val66Phe (NM_015197.4); short protein forms V66F.
Identifiers: ClinVar variation 932338 (VCV000932338.43), dbSNP rs2060030134, ClinGen allele CA391198611.

ClinVar aggregate classification (germline): Uncertain significance. Review status: criteria provided, multiple submitters, no conflicts (2 of 4 stars). 2 submissions from 2 submitters: Uncertain significance (2). Last evaluated 2024-04-17.

Allele frequency attached by ClinVar (database versions not stated): gnomAD exomes below 0.00001.
gnomAD v4.1: 2 of 1,610,776 alleles (0.00012%); highest among the groups gnomAD compares: Non-Finnish European, 0.00017%; no homozygotes.

Submissions (2):

Labcorp Genetics (formerly Invitae), Labcorp
Classification: Uncertain significance. Last evaluated: 2024-04-17. Review status: criteria provided, single submitter. Criteria: Invitae Variant Classification Sherloc (09022015). Collection method: clinical testing. Allele origin: germline.
Comment: This sequence change replaces valine, which is neutral and non-polar, with phenylalanine, which is neutral and non-polar, at codon 66 of the PACS2 protein (p.Val66Phe). This variant is not present in population databases (gnomAD no frequency). This variant has not been reported in the literature in individuals affected with PACS2-related conditions. ClinVar contains an entry for this variant (Variation ID: 932338). An algorithm developed to predict the effect of missense changes on protein structure and function (PolyPhen-2) suggests that this variant is likely to be disruptive. In summary, the available evidence is currently insufficient to determine the role of this variant in disease. Therefore, it has been classified as a Variant of Uncertain Significance.

CeGaT Center for Human Genetics Tuebingen
Classification: Uncertain significance. Last evaluated: 2020-07-01. Review status: criteria provided, single submitter. Criteria: CeGaT Center For Human Genetics Tuebingen Variant Classification Criteria Version 2. Collection method: clinical testing. Allele origin: germline. Affected: yes. Observed: 1 variant allele.